The following is an entry in ClinVar:

ClinVar aggregate classification (germline): Uncertain significance (1 of 4 stars; one submission).

Submission:

Labcorp Genetics (formerly Invitae), Labcorp
Classification: Uncertain significance. Last evaluated: 2022-08-19. Review status: criteria provided, single submitter. Criteria: Invitae Variant Classification Sherloc (09022015). Collection method: clinical testing. Allele origin: germline.
Comment: This variant is not present in population databases (gnomAD no frequency). This variant has not been reported in the literature in individuals affected with SLCO2A1-related conditions. In summary, the available evidence is currently insufficient to determine the role of this variant in disease. Therefore, it has been classified as a Variant of Uncertain Significance. Algorithms developed to predict the effect of missense changes on protein structure and function are either unavailable or do not agree on the potential impact of this missense change (SIFT: "Deleterious"; PolyPhen-2: "Benign"; Align-GVGD: "Class C0"). This sequence change replaces aspartic acid, which is acidic and polar, with glycine, which is neutral and non-polar, at codon 461 of the SLCO2A1 protein (p.Asp461Gly).

NM_005630.3(SLCO2A1):c.1382A>G (p.Asp461Gly)

Genes: SLCO2A1 (solute carrier organic anion transporter family member 2A1; minus strand), LOC123038185 (Sharpr-MPRA regulatory region 14374; plus strand). Cytogenetic location: 3q22.1.
Variant type: single nucleotide variant.
Coding change: c.1382A>G on transcript NM_005630.3 (MANE Select); coding-DNA position 1382, A replaced by G.
Protein change: p.Asp461Gly; replaces aspartic acid 461 with glycine.
Molecular consequence: missense variant.
Genome position (GRCh38, 1-based): chr3:133,945,174, T>C on the plus strand (A>G on the coding strand, the complement: SLCO2A1 is on the minus strand). VCF-style: chr3-133945174-T-C. GRCh37 (hg19) VCF-style: chr3-133664018-T-C.
Other names: short protein forms D461G.
Identifiers: ClinVar variation 1716737 (VCV001716737.5), dbSNP rs2530970477, ClinGen allele CA354616169.